The following is an entry in ClinVar:

ClinVar aggregate classification (germline): Uncertain significance (1 of 4 stars; one submission).

Conditions:
Hematuria. Identifiers: MedGen C0018965, HP:0000790.

Submission:

Genetics Laboratory, Great Ormond Street Hospital NHS Foundation Trust, North Thames Genomic Laboratory Hub
Classification: Uncertain significance for Haematuria. Last evaluated: 2026-02-27. Review status: criteria provided, single submitter. Criteria: ACGS Best Practice Guidelines for Variant Classification in Rare Disease 2024 v1.2. Collection method: clinical testing. Allele origin: germline. Affected: yes.
Comment: PM2_moderate, PP3_supporting, PM1_moderate

NM_033380.3(COL4A5):c.4481C>G (p.Ser1494Cys)

Gene: COL4A5 (collagen type IV alpha 5 chain; plus strand). Cytogenetic location: Xq22.3.
Variant type: single nucleotide variant.
Coding change: c.4481C>G on transcript NM_033380.3 (MANE Select); coding-DNA position 4481, C replaced by G.
Protein change: p.Ser1494Cys; replaces serine 1494 with cysteine.
Molecular consequence: missense variant.
Genome position (GRCh38, 1-based): chrX:108,687,647, C>G. VCF-style: chrX-108687647-C-G. GRCh37 (hg19) VCF-style: chrX-107930877-C-G.
Other names: c.4463C>G, p.Ser1488Cys (NM_000495.5); short protein forms S1488C, S1494C.
Identifiers: ClinVar variation 4845412 (VCV004845412.1).